The following is an entry in ClinVar:

NM_016529.6(ATP8A2):c.144A>C (p.Gly48=)

Gene: ATP8A2 (ATPase phospholipid transporting 8A2). Cytogenetic location: 13q12.13.
Variant type: single nucleotide variant.
Coding change: c.144A>C on transcript NM_016529.6 (MANE Select); coding-DNA position 144, A replaced by C.
Protein change: p.Gly48=; no amino-acid change (glycine 48 retained).
Molecular consequence: synonymous variant.
Genome position (GRCh38, 1-based): chr13:25,469,044, A>C. VCF-style: chr13-25469044-A-C. GRCh37 (hg19) VCF-style: chr13-26043182-A-C.
Other names: p.Gly48=; c.24A>C, p.Gly8= (NM_001313741.1).
Identifiers: ClinVar variation 128488 (VCV000128488.17), dbSNP rs7317185, ClinGen allele CA214772.
Genomic context (GRCh38, chr13:25,469,044, plus strand): 5'-TCGTTCTTCTTTGGGCTATAAGAAGGCAGAGGATGAGATGTCCCGGGCCACGTCTGTTGG[A>C]GACCAGCTGGAGGCACCCGCCCGCACCATTTACCTCAACCAACCGCATCTCAACAAATTC-3'
Protein context (NP_057613.4, residues 38-58): EDEMSRATSV[Gly48=]DQLEAPARTI

ClinVar aggregate classification (germline): Benign. Review status: criteria provided, multiple submitters, no conflicts (2 of 4 stars). 5 submissions from 5 submitters: Benign (4). 1 of the submissions does not count toward it. Last evaluated 2026-02-03.

Allele frequency attached by ClinVar (database versions not stated): gnomAD exomes 0.18585 and 0.21067; 1000 Genomes Project 0.20407; 1000 Genomes Project 30x 0.20893; TOPMed 0.22388; ESP Exome Variant Server 0.24120; gnomAD 0.22754 and 0.23234; ExAC 0.19131.
gnomAD v4.1: 341,678 of 1,613,836 alleles (21%); highest among the groups gnomAD compares: African/African-American, 31%; 37,564 homozygotes.

Submissions (5):

Labcorp Genetics (formerly Invitae), Labcorp
Classification: Benign. Last evaluated: 2026-02-03. Review status: criteria provided, single submitter. Criteria: Invitae Variant Classification Sherloc (09022015). Collection method: clinical testing. Allele origin: germline.

Mayo Clinic Laboratories, Mayo Clinic
Classification: Benign. Last evaluated: 2022-03-24. Review status: criteria provided, single submitter. Criteria: ACMG Guidelines, 2015. Collection method: clinical testing. Allele origin: germline. Observed: 180 variant alleles.

GeneDx
Classification: Benign. Last evaluated: 2020-04-07. Review status: criteria provided, single submitter. Criteria: GeneDx Variant Classification Process June 2021. Collection method: clinical testing. Allele origin: germline. Affected: yes.

Breakthrough Genomics
Classification: Benign. Review status: criteria provided, single submitter. Criteria: ACMG Guidelines, 2015. Collection method: not provided. Allele origin: germline. Inheritance: Autosomal recessive inheritance. Affected: yes.

Genetic Services Laboratory, University of Chicago
Classification: Likely benign for AllHighlyPenetrant. Review status: no assertion criteria provided. Collection method: clinical testing. Allele origin: germline. Inheritance: Autosomal recessive inheritance. Not counted in ClinVar's aggregate classification.
Comment: Likely benign based on allele frequency in 1000 Genomes Project or ESP global frequency and its presence in a patient with a rare or unrelated disease phenotype. NOT Sanger confirmed.